The following is an entry in ClinVar:

NM_015559.3(SETBP1):c.3020T>C (p.Leu1007Pro)

Gene: SETBP1 (SET binding protein 1; plus strand). Cytogenetic location: 18q12.3.
Variant type: single nucleotide variant.
Coding change: c.3020T>C on transcript NM_015559.3 (MANE Select); coding-DNA position 3020, T replaced by C.
Protein change: p.Leu1007Pro; replaces leucine 1007 with proline.
Molecular consequence: missense variant.
Genome position (GRCh38, 1-based): chr18:44,952,360, T>C. VCF-style: chr18-44952360-T-C. GRCh37 (hg19) VCF-style: chr18-42532325-T-C.
Other names: c.3020T>C, p.Leu1007Pro (NM_001379141.1, NM_001379142.1, NM_001410862.1); short protein forms L1007P.
Identifiers: ClinVar variation 4770882 (VCV004770882.1).
Genomic context (GRCh38, chr18:44,952,360, plus strand): 5'-GGATTAATTTTGATCACTATTACCCGGTGCCATATATCCAGTATGACCCGTTGCTCTATC[T>C]TCGTAGGACTTCAGACTTGAAGTCAAAGAAGAAGCGTGGTAGGCCTGCAAAAACCAATGA-3'
Protein context (NP_056374.2, residues 997-1017): PYIQYDPLLY[Leu1007Pro]RRTSDLKSKK

ClinVar aggregate classification (germline): Uncertain significance (1 of 4 stars; one submission).

Submission:

Labcorp Genetics (formerly Invitae), Labcorp
Classification: Uncertain significance. Last evaluated: 2025-06-24. Review status: criteria provided, single submitter. Criteria: Invitae Variant Classification Sherloc (09022015). Collection method: clinical testing. Allele origin: germline.
Comment: This sequence change replaces leucine, which is neutral and non-polar, with proline, which is neutral and non-polar, at codon 1007 of the SETBP1 protein (p.Leu1007Pro). This variant is not present in population databases (gnomAD no frequency). This variant has not been reported in the literature in individuals affected with SETBP1-related conditions. Invitae Evidence Modeling of protein sequence and biophysical properties (such as structural, functional, and spatial information, amino acid conservation, physicochemical variation, residue mobility, and thermodynamic stability) indicates that this missense variant is expected to disrupt SETBP1 protein function with a positive predictive value of 80%. In summary, the available evidence is currently insufficient to determine the role of this variant in disease. Therefore, it has been classified as a Variant of Uncertain Significance.